The following is an entry in ClinVar:

NM_001097577.3(ANG):c.441G>A (p.Pro147=)

Genes: ANG (angiogenin; plus strand), RNASE4 (ribonuclease A family member 4; plus strand), EGILA (EGFR interacting lncRNA; minus strand). Cytogenetic location: 14q11.2.
Variant type: single nucleotide variant.
Coding change: c.441G>A on transcript NM_001097577.3 (MANE Select); coding-DNA position 441, G replaced by A.
Protein change: p.Pro147=; no amino-acid change (proline 147 retained).
Molecular consequence: synonymous variant. On other transcripts: intron variant (4).
Genome position (GRCh38, 1-based): chr14:20,694,005, G>A. VCF-style: chr14-20694005-G-A. GRCh37 (hg19) VCF-style: chr14-21162164-G-A.
Other names: c.441G>A, p.Pro147= (NM_001145.4, NM_001385271.1, NM_001385272.1 and 2 more transcripts); c.-18+355G>A (NM_001282192.2); c.-17-5350G>A (NM_002937.5, NM_001282193.2); c.-18+5131G>A (NM_194431.3).
Identifiers: ClinVar variation 312777 (VCV000312777.6), dbSNP rs759928848, ClinGen allele CA7083198.

ClinVar aggregate classification (germline): Likely benign. Review status: criteria provided, multiple submitters, no conflicts (2 of 4 stars). 2 submissions from 2 submitters: Likely benign (2). Last evaluated 2025-06-02.

Conditions:
Amyotrophic lateral sclerosis type 9 (ALS9). Identifiers: Orphanet 803, MedGen C2678468, MONDO:0012753, OMIM 611895.

Allele frequency attached by ClinVar (database versions not stated): TOPMed 0.00001; gnomAD 0.00002.
gnomAD v4.1: 37 of 1,613,930 alleles (0.0023%); highest among the groups gnomAD compares: South Asian, 0.015%; no homozygotes.

Submissions (2):

Labcorp Genetics (formerly Invitae), Labcorp
Classification: Likely benign. Last evaluated: 2025-06-02. Review status: criteria provided, single submitter. Criteria: Invitae Variant Classification Sherloc (09022015). Collection method: clinical testing. Allele origin: germline.

Illumina Laboratory Services, Illumina
Classification: Likely benign for Amyotrophic lateral sclerosis type 9. Last evaluated: 2018-01-13. Review status: criteria provided, single submitter. Criteria: ICSL Variant Classification Criteria 13 December 2019. Collection method: clinical testing. Allele origin: germline.
Comment: This variant was observed in the ICSL laboratory as part of a predisposition screen in an ostensibly healthy population. It had not been previously curated by ICSL or reported in the Human Gene Mutation Database (HGMD: prior to June 1st, 2018), and was therefore a candidate for classification through an automated scoring system. Utilizing variant allele frequency, disease prevalence and penetrance estimates, and inheritance mode, an automated score was calculated to assess if this variant is too frequent to cause the disease. Based on the score and internal cut-off values, a variant classified as likely benign is not then subjected to further curation. The score for this variant resulted in a classification of likely benign for this disease.